The following is an entry in ClinVar:

ClinVar aggregate classification (germline): Uncertain significance (1 of 4 stars; one submission).

Submission:

Labcorp Genetics (formerly Invitae), Labcorp
Classification: Uncertain significance. Last evaluated: 2023-02-13. Review status: criteria provided, single submitter. Criteria: Invitae Variant Classification Sherloc (09022015). Collection method: clinical testing. Allele origin: germline.
Comment: Algorithms developed to predict the effect of missense changes on protein structure and function (SIFT, PolyPhen-2, Align-GVGD) all suggest that this variant is likely to be tolerated. This variant has not been reported in the literature in individuals affected with STAG2-related conditions. This variant is not present in population databases (gnomAD no frequency). This sequence change replaces histidine, which is basic and polar, with arginine, which is basic and polar, at codon 108 of the STAG2 protein (p.His108Arg). In summary, the available evidence is currently insufficient to determine the role of this variant in disease. Therefore, it has been classified as a Variant of Uncertain Significance.

NM_001042750.2(STAG2):c.323A>G (p.His108Arg)

Gene: STAG2 (STAG2 cohesin complex component; plus strand). Cytogenetic location: Xq25.
Variant type: single nucleotide variant.
Coding change: c.323A>G on transcript NM_001042750.2 (MANE Select); coding-DNA position 323, A replaced by G.
Protein change: p.His108Arg; replaces histidine 108 with arginine.
Molecular consequence: missense variant.
Genome position (GRCh38, 1-based): chrX:124,037,561, A>G. VCF-style: chrX-124037561-A-G. GRCh37 (hg19) VCF-style: chrX-123171411-A-G.
Other names: c.323A>G, p.His108Arg (NM_001042751.2, NM_001282418.2, NM_001375366.1 and 13 more transcripts); short protein forms H108R.
Identifiers: ClinVar variation 2836669 (VCV002836669.3), dbSNP rs2520917978, ClinGen allele CA414273174.
Genomic context (GRCh38, chrX:124,037,561, plus strand): 5'-ATTTTATTTTTTTCCCTCTGCTGTAGTCGGTGGTAGATGATTGGATAGAATCATACAAGC[A>G]TGACCGAGATATAGCACTTCTTGACCTTATCAACTTTTTTATTCAGTGTTCAGGCTGTAA-3'
Protein context (NP_001036215.1, residues 98-118): VVDDWIESYK[His108Arg]DRDIALLDLI